The following is an entry in ClinVar:

GRCh38/hg38 22q11.22(chr22:21981871-22202339)x3

Genes: IGL (immunoglobulin lambda locus; plus strand), IGLV11-55 (immunoglobulin lambda variable 11-55 (non-functional); plus strand), IGLV4-60 (immunoglobulin lambda variable 4-60; plus strand), IGLV4-69 (immunoglobulin lambda variable 4-69; plus strand), IGLV6-57 (immunoglobulin lambda variable 6-57; plus strand) and 15 more. Cytogenetic location: 22q11.22.
Variant type: copy number gain.
Change: copy number 3 (three copies instead of two) of chr22:21,981,871-22,202,339 (220.5 kb, GRCh38 coordinates, 1-based), cytogenetic band 22q11.22.
Identifiers: ClinVar variation 161024 (VCV000161024.1).

ClinVar aggregate classification (germline): Benign (1 of 4 stars; one submission).

Submission:

ISCA site 4
Classification: Benign. Last evaluated: 2011-08-12. Review status: criteria provided, single submitter. Criteria: Kaminsky et al. (Genet Med. 2011). Collection method: clinical testing. Allele origin: unknown. Affected: yes. Observed: 1 variant allele.
Comment: Copy number variation identified through the course of routine clinical cytogenomic testing in postnatal populations. Clinical assertions have been curated as described in Kaminsky et al. 2011.